The following is an entry in ClinVar:

GRCh37/hg19 2q36.3-37.1(chr2:230411764-232019784)x1

Genes: C2orf72 (chromosome 2 open reading frame 72; plus strand), CAB39 (calcium binding protein 39; plus strand), DNER (delta/notch like EGF repeat containing; minus strand), FBXO36 (F-box protein 36; plus strand), GPR55 (G protein-coupled receptor 55; minus strand) and 10 more. Cytogenetic location: 2q36.3-37.1.
Variant type: copy number loss.
Change: copy number 1 (one copy instead of two) of chr2:230,411,764-232,019,784 (1.61 Mb, GRCh37 coordinates, 1-based), cytogenetic band 2q36.3-37.1.
Identifiers: ClinVar variation 446435 (VCV000446435.3).

ClinVar aggregate classification (germline): Uncertain significance (0 of 4 stars; one submission).

Submission:

Institute of Human Genetics, University of Goettingen
Classification: Uncertain significance. Last evaluated: 2017-07-05. Review status: no assertion criteria provided. Collection method: clinical testing. Allele origin: unknown. Affected: yes. Observed: 1 variant allele.
Comment: One smaller deletion of this region (1.02 Mb) was found in one patient, subject 4, with developmental, intellectual, motor and speech delay and microcephaly (Zhang et al., Hum Genet 2017, DOI: 10.1007/s00439-017-1763-1).